The following is an entry in ClinVar:

ClinVar aggregate classification (germline): Benign/Likely benign. Review status: criteria provided, multiple submitters, no conflicts (2 of 4 stars). 3 submissions from 3 submitters: Benign (1); Likely benign (2). Last evaluated 2024-10-29.

Conditions:
Prostate cancer, hereditary, 9 (HPC9). Identifiers: Orphanet 1331, MedGen C1970250, MONDO:0012597, OMIM 610997.
Hereditary cancer-predisposing syndrome. Also called: Neoplastic Syndromes, Hereditary; Tumor predisposition; Hereditary Cancer Syndrome; Hereditary neoplastic syndrome. Identifiers: Orphanet 140162, MedGen C0027672, MeSH D009386, MONDO:0015356.

Allele frequency attached by ClinVar (database versions not stated): ExAC 0.00001; gnomAD exomes 0.00001.

Submissions (3):

Myriad Genetics, Inc.
Classification: Benign for Prostate cancer, hereditary, 9. Last evaluated: 2024-10-29. Review status: criteria provided, single submitter. Criteria: Myriad Autosomal Dominant, Autosomal Recessive and X-Linked Classification Criteria (2023). Collection method: clinical testing. Allele origin: unknown.
Comment: This variant is considered benign. This variant is a silent/synonymous amino acid change and it is not expected to impact splicing.

Labcorp Genetics (formerly Invitae), Labcorp
Classification: Likely benign. Last evaluated: 2022-02-15. Review status: criteria provided, single submitter. Criteria: Invitae Variant Classification Sherloc (09022015). Collection method: clinical testing. Allele origin: germline.

Ambry Genetics
Classification: Likely benign for Hereditary cancer-predisposing syndrome. Last evaluated: 2019-06-18. Review status: criteria provided, single submitter. Criteria: Ambry Variant Classification Scheme 2023. Collection method: clinical testing. Allele origin: germline.

NM_006361.6(HOXB13):c.183G>A (p.Lys61=)

Gene: HOXB13 (homeobox B13; minus strand). Cytogenetic location: 17q21.32.
Variant type: single nucleotide variant.
Coding change: c.183G>A on transcript NM_006361.6 (MANE Select); coding-DNA position 183, G replaced by A.
Protein change: p.Lys61=; no amino-acid change (lysine 61 retained).
Molecular consequence: synonymous variant.
Genome position (GRCh38, 1-based): chr17:48,728,411, C>T on the plus strand (G>A on the coding strand, the complement: HOXB13 is on the minus strand). VCF-style: chr17-48728411-C-T. GRCh37 (hg19) VCF-style: chr17-46805773-C-T.
Identifiers: ClinVar variation 820143 (VCV000820143.10), dbSNP rs541519790, ClinGen allele CA8634050.
Genomic context (GRCh38, chr17:48,728,411, plus strand): 5'-ACCATAAGGCACGGGAGCTGGGGACGTCCCCTGGGGCACCCCAGGGCATGGGTGGCATTG[C>T]TTTGGCGGCTCCGCCGAGCCTGGCAGATCCAAGGGGGCATAGTTGACAGCAGGCATCAGC-3'
Protein context (NP_006352.2, residues 51-71): LDLPGSAEPP[Lys61=]QCHPCPGVPQ